The following is an entry in ClinVar:

NM_001365999.1(SZT2):c.9622G>A (p.Asp3208Asn)

Genes: SZT2 (SZT2 subunit of KICSTOR complex; plus strand), SZT2-AS1 (SZT2 antisense RNA 1; minus strand). Cytogenetic location: 1p34.2.
Variant type: single nucleotide variant.
Coding change: c.9622G>A on transcript NM_001365999.1 (MANE Select); coding-DNA position 9622, G replaced by A.
Protein change: p.Asp3208Asn; replaces aspartic acid 3208 with asparagine.
Molecular consequence: missense variant. On other transcripts: non-coding transcript variant (1).
Genome position (GRCh38, 1-based): chr1:43,448,137, G>A. VCF-style: chr1-43448137-G-A. GRCh37 (hg19) VCF-style: chr1-43913808-G-A.
Other names: c.9451G>A, p.Asp3151Asn (NM_015284.4); short protein forms D3208N, D3151N.
Identifiers: ClinVar variation 950857 (VCV000950857.8), dbSNP rs769796777, ClinGen allele CA810978.

ClinVar aggregate classification (germline): Uncertain significance. Review status: criteria provided, multiple submitters, no conflicts (2 of 4 stars). 2 submissions from 2 submitters: Uncertain significance (2). Last evaluated 2024-06-13.

Allele frequency attached by ClinVar (database versions not stated): gnomAD exomes below 0.00001; ExAC 0.00001; TOPMed 0.00001.
gnomAD v4.1: 3 of 1,608,698 alleles (0.00019%); highest among the groups gnomAD compares: Non-Finnish European, 0.00025%; no homozygotes.

Submissions (2):

GeneDx
Classification: Uncertain significance. Last evaluated: 2024-06-13. Review status: criteria provided, single submitter. Criteria: GeneDx Variant Classification Process June 2021. Collection method: clinical testing. Allele origin: germline. Affected: yes.
Comment: Not observed at significant frequency in large population cohorts (gnomAD); In silico analysis indicates that this missense variant does not alter protein structure/function; Has not been previously published as pathogenic or benign to our knowledge

Labcorp Genetics (formerly Invitae), Labcorp
Classification: Uncertain significance. Last evaluated: 2021-08-30. Review status: criteria provided, single submitter. Criteria: Invitae Variant Classification Sherloc (09022015). Collection method: clinical testing. Allele origin: germline.
Comment: This sequence change replaces aspartic acid with asparagine at codon 3151 of the SZT2 protein (p.Asp3151Asn). The aspartic acid residue is highly conserved and there is a small physicochemical difference between aspartic acid and asparagine. This variant is present in population databases (rs769796777, ExAC 0.002%). This variant has not been reported in the literature in individuals affected with SZT2-related conditions. Algorithms developed to predict the effect of missense changes on protein structure and function are either unavailable or do not agree on the potential impact of this missense change (SIFT: "Deleterious"; PolyPhen-2: "Probably Damaging"; Align-GVGD: "Class C0"). In summary, the available evidence is currently insufficient to determine the role of this variant in disease. Therefore, it has been classified as a Variant of Uncertain Significance.